The following is an entry in ClinVar:

NM_032793.5(MFSD2A):c.1277TCT[2] (p.Phe428del)

Gene: MFSD2A (MFSD2 lysolipid transporter A, lysophospholipid; plus strand). Cytogenetic location: 1p34.2.
Variant type: Microsatellite.
Coding change: c.1277TCT[2] on transcript NM_032793.5 (MANE Select); two copies in a row of the 3-base unit TCT starting at c.1277; the reference has three copies in a row; one copy, 3 bases deleted.
Protein change: p.Phe428del; deletes phenylalanine 428.
Molecular consequence: inframe deletion. On other transcripts: non-coding transcript variant (1).
Genome position (GRCh38, 1-based): chr1:39,968,408-39,968,410, TCT deleted; deleting any 3 consecutive bases within chr1:39,968,402-39,968,410 gives the same sequence; the position shown is the placement nearest the transcript's 3' end. VCF-style (leftmost placement, unchanged base first): chr1-39968401-ATCT-A. GRCh37 (hg19) VCF-style: chr1-40434073-ATCT-A.
Other names: c.1316TCT[2], p.Phe441del (NM_001136493.3); c.809TCT[2], p.Phe272del (NM_001287808.2); c.1160TCT[2], p.Phe389del (NM_001287809.2); c.1271TCT[2], p.Phe426del (NM_001349821.2); c.1193TCT[2], p.Phe400del (NM_001349822.2); c.932TCT[2], p.Phe313del (NM_001349823.2); short protein forms F272del, F313del, F389del, F400del, F426del, F428del, F441del.
Identifiers: ClinVar variation 4891379 (VCV004891379.1).

ClinVar aggregate classification (germline): Uncertain significance (1 of 4 stars; one submission).

Submission:

GeneDx
Classification: Uncertain significance. Last evaluated: 2026-02-12. Review status: criteria provided, single submitter. Criteria: GeneDx Variant Classification Process June 2021. Collection method: clinical testing. Allele origin: germline.
Comment: Not observed at significant frequency in large population cohorts (gnomAD); In-frame deletion of 1 amino acid in a non-repeat region; In silico analysis supports a deleterious effect on protein structure/function; Has not been previously published as pathogenic or benign to our knowledge